The following is an entry in ClinVar:

ClinVar aggregate classification (germline): Uncertain significance (1 of 4 stars; one submission).

gnomAD v4.1: 31 of 1,613,680 alleles (0.0019%); highest among the groups gnomAD compares: Non-Finnish European, 0.0024%; no homozygotes.

Submission:

GeneDx
Classification: Uncertain significance. Last evaluated: 2024-07-03. Review status: criteria provided, single submitter. Criteria: GeneDx Variant Classification Process June 2021. Collection method: clinical testing. Allele origin: germline. Affected: yes.
Comment: Not observed at significant frequency in large population cohorts (gnomAD); In silico analysis supports that this missense variant has a deleterious effect on protein structure/function; Has not been previously published as pathogenic or benign to our knowledge

NM_032119.4(ADGRV1):c.13277A>C (p.His4426Pro)

Gene: ADGRV1 (adhesion G protein-coupled receptor V1; plus strand). Cytogenetic location: 5q14.3.
Variant type: single nucleotide variant.
Coding change: c.13277A>C on transcript NM_032119.4 (MANE Select); coding-DNA position 13277, A replaced by C.
Protein change: p.His4426Pro; replaces histidine 4426 with proline.
Molecular consequence: missense variant. On other transcripts: non-coding transcript variant (1).
Genome position (GRCh38, 1-based): chr5:90,783,169, A>C. VCF-style: chr5-90783169-A-C. GRCh37 (hg19) VCF-style: chr5-90078986-A-C.
Other names: short protein forms H4426P.
Identifiers: ClinVar variation 3393537 (VCV003393537.1).